The following is an entry in ClinVar:

ClinVar aggregate classification (germline): Uncertain significance (1 of 4 stars; one submission).

Conditions:
Familial episodic pain syndrome with predominantly lower limb involvement. Also called: Episodic pain syndrome, familial, 3. Identifiers: Orphanet 391384, Orphanet 391392, MedGen C3809899, MONDO:0014247, OMIM 615552.
Hereditary sensory and autonomic neuropathy type 7. Also called: HSAN VII; Neuropathy, hereditary sensory and autonomic, type VII. Identifiers: Orphanet 391397, MedGen C3809882, MONDO:0014244, OMIM 615548.

Allele frequency attached by ClinVar (database versions not stated): gnomAD exomes 0.00001.
gnomAD v4.1: 13 of 1,612,964 alleles (0.00081%); highest among the groups gnomAD compares: Non-Finnish European, 0.0011%; no homozygotes.

Submission:

Labcorp Genetics (formerly Invitae), Labcorp
Classification: Uncertain significance for Familial episodic pain syndrome with predominantly lower limb involvement; Hereditary sensory and autonomic neuropathy type 7. Last evaluated: 2023-06-19. Review status: criteria provided, single submitter. Criteria: Invitae Variant Classification Sherloc (09022015). Collection method: clinical testing. Allele origin: germline.
Comment: In summary, the available evidence is currently insufficient to determine the role of this variant in disease. Therefore, it has been classified as a Variant of Uncertain Significance. Advanced modeling of protein sequence and biophysical properties (such as structural, functional, and spatial information, amino acid conservation, physicochemical variation, residue mobility, and thermodynamic stability) performed at Invitae indicates that this missense variant is expected to disrupt SCN11A protein function. This variant has not been reported in the literature in individuals affected with SCN11A-related conditions. This variant is not present in population databases (gnomAD no frequency). This sequence change replaces asparagine, which is neutral and polar, with histidine, which is basic and polar, at codon 688 of the SCN11A protein (p.Asn688His).

NM_001349253.2(SCN11A):c.2062A>C (p.Asn688His)

Gene: SCN11A (sodium voltage-gated channel alpha subunit 11; minus strand). Cytogenetic location: 3p22.2.
Variant type: single nucleotide variant.
Coding change: c.2062A>C on transcript NM_001349253.2 (MANE Select); coding-DNA position 2062, A replaced by C.
Protein change: p.Asn688His; replaces asparagine 688 with histidine.
Molecular consequence: missense variant.
Genome position (GRCh38, 1-based): chr3:38,897,186, T>G on the plus strand (A>C on the coding strand, the complement: SCN11A is on the minus strand). VCF-style: chr3-38897186-T-G. GRCh37 (hg19) VCF-style: chr3-38938677-T-G.
Other names: c.2062A>C, p.Asn688His (NM_014139.3); short protein forms N688H.
Identifiers: ClinVar variation 2936649 (VCV002936649.3), dbSNP rs2470567993, ClinGen allele CA352159753.